The following is an entry in ClinVar:

NM_139027.6(ADAMTS13):c.3400+129C>T

Gene: ADAMTS13 (ADAM metallopeptidase with thrombospondin type 1 motif 13; plus strand). Cytogenetic location: 9q34.2.
Variant type: single nucleotide variant.
Coding change: c.3400+129C>T on transcript NM_139027.6 (MANE Select); 129 bases into the intron after coding-DNA position 3400, C replaced by T.
Molecular consequence: intron variant. On other transcripts: missense variant (1).
Genome position (GRCh38, 1-based): chr9:133,455,564, C>T. VCF-style: chr9-133455564-C-T. GRCh37 (hg19) VCF-style: chr9-136320686-C-T.
Other names: p.Arg1177Trp; c.3529C>T, p.Arg1177Trp (NM_139025.5); c.3307+129C>T (NM_139026.6); short protein forms R1177W.
Identifiers: ClinVar variation 2725303 (VCV002725303.4), dbSNP rs782200824, ClinGen allele CA200944280.

ClinVar aggregate classification (germline): Likely benign. Review status: criteria provided, multiple submitters, no conflicts (2 of 4 stars). 2 submissions from 2 submitters: Likely benign (2). Last evaluated 2025-09-28.

Allele frequency attached by ClinVar (database versions not stated): TOPMed 0.00014; gnomAD 0.00013.
gnomAD v4.1: 54 of 1,607,700 alleles (0.0034%); highest among the groups gnomAD compares: African/African-American, 0.044%; no homozygotes.

Submissions (2):

Labcorp Genetics (formerly Invitae), Labcorp
Classification: Likely benign. Last evaluated: 2025-09-28. Review status: criteria provided, single submitter. Criteria: Invitae Variant Classification Sherloc (09022015). Collection method: clinical testing. Allele origin: germline.

Mayo Clinic Laboratories, Mayo Clinic
Classification: Likely benign. Last evaluated: 2025-06-08. Review status: criteria provided, single submitter. Criteria: ACMG Guidelines, 2015. Collection method: clinical testing. Allele origin: germline. Observed: 2 variant alleles.
Comment: BS1, BP4